The following is an entry in ClinVar:

ClinVar aggregate classification (germline): Uncertain significance (1 of 4 stars; one submission).

Allele frequency attached by ClinVar (database versions not stated): gnomAD exomes below 0.00001; TOPMed below 0.00001; gnomAD 0.00001.

Submission:

Labcorp Genetics (formerly Invitae), Labcorp
Classification: Uncertain significance. Last evaluated: 2021-11-15. Review status: criteria provided, single submitter. Criteria: Invitae Variant Classification Sherloc (09022015). Collection method: clinical testing. Allele origin: germline.
Comment: In summary, the available evidence is currently insufficient to determine the role of this variant in disease. Therefore, it has been classified as a Variant of Uncertain Significance. Advanced modeling of protein sequence and biophysical properties (such as structural, functional, and spatial information, amino acid conservation, physicochemical variation, residue mobility, and thermodynamic stability) performed at Invitae indicates that this missense variant is not expected to disrupt FAT4 protein function. This variant has not been reported in the literature in individuals affected with FAT4-related conditions. The frequency data for this variant in the population databases is considered unreliable, as metrics indicate poor data quality at this position in the gnomAD database. This sequence change replaces methionine, which is neutral and non-polar, with isoleucine, which is neutral and non-polar, at codon 1528 of the FAT4 protein (p.Met1528Ile).

NM_001291303.3(FAT4):c.4584G>A (p.Met1528Ile)

Gene: FAT4 (FAT atypical cadherin 4; plus strand). Cytogenetic location: 4q28.1.
Variant type: single nucleotide variant.
Coding change: c.4584G>A on transcript NM_001291303.3 (MANE Select); coding-DNA position 4584, G replaced by A.
Protein change: p.Met1528Ile; replaces methionine 1528 with isoleucine.
Molecular consequence: missense variant.
Genome position (GRCh38, 1-based): chr4:125,320,995, G>A. VCF-style: chr4-125320995-G-A. GRCh37 (hg19) VCF-style: chr4-126242150-G-A.
Other names: c.4584G>A, p.Met1528Ile (NM_001291285.3, NM_024582.6); short protein forms M1528I.
Identifiers: ClinVar variation 1393497 (VCV001393497.6), dbSNP rs1417100834, ClinGen allele CA358126998.
Genomic context (GRCh38, chr4:125,320,995, plus strand): 5'-ACGGTATGCTTTGAAGAACGTGACCATTTTGGTTACAGACCTCAATGACAATGTCCCAAT[G>A]TTTATATCACAAAACGCCCTTGCTGCAGACCCATCAGCTGTGATTGGTTCCGTTCTGACA-3'
Protein context (NP_001278232.1, residues 1518-1538): LVTDLNDNVP[Met1528Ile]FISQNALAAD